The following is an entry in ClinVar:

NM_000245.4(MET):c.146A>C (p.Glu49Ala)

Gene: MET (MET proto-oncogene, receptor tyrosine kinase; plus strand). Cytogenetic location: 7q31.2.
Variant type: single nucleotide variant.
Coding change: c.146A>C on transcript NM_000245.4 (MANE Select); coding-DNA position 146, A replaced by C.
Protein change: p.Glu49Ala; replaces glutamic acid 49 with alanine.
Molecular consequence: missense variant. On other transcripts: intron variant (1).
Genome position (GRCh38, 1-based): chr7:116,699,230, A>C. VCF-style: chr7-116699230-A-C. GRCh37 (hg19) VCF-style: chr7-116339284-A-C.
Other names: c.146A>C, p.Glu49Ala (NM_001127500.3, NM_001324401.3); c.-91+26653A>C (NM_001324402.2); short protein forms E49A.
Identifiers: ClinVar variation 819297 (VCV000819297.18), dbSNP rs370499060, ClinGen allele CA4447948.

ClinVar aggregate classification (germline): Conflicting classifications of pathogenicity. Review status: criteria provided, conflicting classifications (1 of 4 stars). 5 submissions from 5 submitters: Uncertain significance (2); Likely benign (2). 1 of the submissions does not count toward it. Last evaluated 2026-01-20.

Conditions:
Hereditary cancer-predisposing syndrome. Also called: Hereditary Cancer Syndrome; Neoplastic Syndromes, Hereditary; Tumor predisposition; Hereditary neoplastic syndrome. Identifiers: Orphanet 140162, MedGen C0027672, MeSH D009386, MONDO:0015356.
Renal cell carcinoma. Identifiers: Orphanet 217071, MedGen C0007134, MeSH D002292, MONDO:0005086, HP:0005584.
Intellectual disability. Also called: Intellectual functioning disability; Intellectual developmental disorder; intellectual disabilities. Identifiers: MedGen C3714756, MeSH D008607, MONDO:0001071, HP:0001249.
Autosomal recessive nonsyndromic hearing loss 97. Also called: Deafness, autosomal recessive 97. Identifiers: Orphanet 90636, MedGen C4084709, MONDO:0014739, OMIM 616705.

Allele frequency attached by ClinVar (database versions not stated): ESP Exome Variant Server 0.00024; TOPMed 0.00002.
gnomAD v4.1: 1 of 1,613,968 alleles (0.000062%); highest among the groups gnomAD compares: African/African-American, 0.0013%; no homozygotes.

Submissions (5):

Labcorp Genetics (formerly Invitae), Labcorp
Classification: Likely benign for Renal cell carcinoma. Last evaluated: 2026-01-20. Review status: criteria provided, single submitter. Criteria: Invitae Variant Classification Sherloc (09022015). Collection method: clinical testing. Allele origin: germline.

GeneDx
Classification: Uncertain significance. Last evaluated: 2024-02-08. Review status: criteria provided, single submitter. Criteria: GeneDx Variant Classification Process June 2021. Collection method: clinical testing. Allele origin: germline. Affected: yes.
Comment: Not observed at significant frequency in large population cohorts (gnomAD); In silico analysis supports that this missense variant does not alter protein structure/function; Has not been previously published as pathogenic or benign to our knowledge

Baylor Genetics
Classification: Uncertain significance for Autosomal recessive nonsyndromic hearing loss 97. Last evaluated: 2023-11-22. Review status: criteria provided, single submitter. Criteria: ACMG Guidelines, 2015. Collection method: clinical testing. Allele origin: unknown.

Ambry Genetics
Classification: Likely benign for Hereditary cancer-predisposing syndrome. Last evaluated: 2023-08-22. Review status: criteria provided, single submitter. Criteria: Ambry Variant Classification Scheme 2023. Collection method: clinical testing. Allele origin: germline.

Centre de Biologie Pathologie Génétique, Centre Hospitalier Universitaire de Lille
Classification: Uncertain significance for Intellectual disability. Last evaluated: 2019-01-01. Review status: no assertion criteria provided. Collection method: clinical testing. Allele origin: unknown. Affected: yes. Not counted in ClinVar's aggregate classification.